The following is an entry in ClinVar:

ClinVar aggregate classification (germline): Uncertain significance. Review status: criteria provided, multiple submitters, no conflicts (2 of 4 stars). 3 submissions from 3 submitters: Uncertain significance (3). Last evaluated 2025-07-14.

Conditions:
Inborn genetic diseases. Identifiers: MedGen C0950123, MeSH D030342.
Townes syndrome (TBS). Also called: Townes-Brocks syndrome. Identifiers: Orphanet 857, MedGen C0265246, MeSH C536974, MONDO:0007142.

gnomAD v4.1: 49 of 1,613,846 alleles (0.003%); highest among the groups gnomAD compares: Non-Finnish European, 0.0038%; no homozygotes.

Submissions (3):

Labcorp Genetics (formerly Invitae), Labcorp
Classification: Uncertain significance for Townes syndrome. Last evaluated: 2025-07-14. Review status: criteria provided, single submitter. Criteria: Invitae Variant Classification Sherloc (09022015). Collection method: clinical testing. Allele origin: germline.
Comment: This sequence change replaces proline, which is neutral and non-polar, with threonine, which is neutral and polar, at codon 90 of the SALL1 protein (p.Pro90Thr). This variant is present in population databases (rs749198993, gnomAD 0.002%). This variant has not been reported in the literature in individuals affected with SALL1-related conditions. ClinVar contains an entry for this variant (Variation ID: 3316021). Invitae Evidence Modeling of protein sequence and biophysical properties (such as structural, functional, and spatial information, amino acid conservation, physicochemical variation, residue mobility, and thermodynamic stability) indicates that this missense variant is expected to disrupt SALL1 protein function with a positive predictive value of 80%. In summary, the available evidence is currently insufficient to determine the role of this variant in disease. Therefore, it has been classified as a Variant of Uncertain Significance.

Ambry Genetics
Classification: Uncertain significance for Inborn genetic diseases. Last evaluated: 2024-04-24. Review status: criteria provided, single submitter. Criteria: Ambry Variant Classification Scheme 2023. Collection method: clinical testing. Allele origin: germline.

GeneDx
Classification: Uncertain significance. Last evaluated: 2024-03-08. Review status: criteria provided, single submitter. Criteria: GeneDx Variant Classification Process June 2021. Collection method: clinical testing. Allele origin: germline. Affected: yes.
Comment: Not observed at significant frequency in large population cohorts (gnomAD); In silico analysis supports that this missense variant does not alter protein structure/function; Has not been previously published as pathogenic or benign to our knowledge

NM_002968.3(SALL1):c.268C>A (p.Pro90Thr)

Gene: SALL1 (spalt like transcription factor 1; minus strand). Cytogenetic location: 16q12.1.
Variant type: single nucleotide variant.
Coding change: c.268C>A on transcript NM_002968.3 (MANE Select); coding-DNA position 268, C replaced by A.
Protein change: p.Pro90Thr; replaces proline 90 with threonine.
Molecular consequence: missense variant. On other transcripts: 5 prime UTR variant (1).
Genome position (GRCh38, 1-based): chr16:51,141,954, G>T on the plus strand (C>A on the coding strand, the complement: SALL1 is on the minus strand). VCF-style: chr16-51141954-G-T. GRCh37 (hg19) VCF-style: chr16-51175865-G-T.
Other names: c.-24C>A (NM_001127892.2); short protein forms P90T.
Identifiers: ClinVar variation 3316021 (VCV003316021.3).
Genomic context (GRCh38, chr16:51,141,954, plus strand): 5'-AGTCCACTTGATCTGTTTTGTTAACTGTGTCATTCATTTGTTCATCAGGATTATCAGGAG[G>T]GGGGCTGGGGGAGAAGGTTTCGGGTGGGGAGGCTGGATTTTCATTTACGATTAAAACTAA-3'
Protein context (NP_002959.2, residues 80-100): SPPETFSPSP[Pro90Thr]PDNPDEQMND